The following is an entry in ClinVar:

ClinVar aggregate classification (germline): Uncertain significance (1 of 4 stars; one submission).

Allele frequency attached by ClinVar (database versions not stated): gnomAD exomes below 0.00001.
gnomAD v4.1: 1 of 1,614,110 alleles (0.000062%); highest among the groups gnomAD compares: Non-Finnish European, 0.000085%; no homozygotes.

Submission:

Labcorp Genetics (formerly Invitae), Labcorp
Classification: Uncertain significance. Last evaluated: 2022-07-25. Review status: criteria provided, single submitter. Criteria: Invitae Variant Classification Sherloc (09022015). Collection method: clinical testing. Allele origin: germline.
Comment: In summary, the available evidence is currently insufficient to determine the role of this variant in disease. Therefore, it has been classified as a Variant of Uncertain Significance. Algorithms developed to predict the effect of missense changes on protein structure and function output the following: SIFT: "Deleterious"; PolyPhen-2: "Benign"; Align-GVGD: "Class C0". The phenylalanine amino acid residue is found in multiple mammalian species, which suggests that this missense change does not adversely affect protein function. ClinVar contains an entry for this variant (Variation ID: 1008721). This variant has not been reported in the literature in individuals affected with IMPG2-related conditions. This variant is not present in population databases (gnomAD no frequency). This sequence change replaces valine, which is neutral and non-polar, with phenylalanine, which is neutral and non-polar, at codon 1114 of the IMPG2 protein (p.Val1114Phe).

NM_016247.4(IMPG2):c.3340G>T (p.Val1114Phe)

Gene: IMPG2 (interphotoreceptor matrix proteoglycan 2; minus strand). Cytogenetic location: 3q12.3.
Variant type: single nucleotide variant.
Coding change: c.3340G>T on transcript NM_016247.4 (MANE Select); coding-DNA position 3340, G replaced by T.
Protein change: p.Val1114Phe; replaces valine 1114 with phenylalanine.
Molecular consequence: missense variant.
Genome position (GRCh38, 1-based): chr3:101,231,039, C>A on the plus strand (G>T on the coding strand, the complement: IMPG2 is on the minus strand). VCF-style: chr3-101231039-C-A. GRCh37 (hg19) VCF-style: chr3-100949883-C-A.
Other names: short protein forms V1114F.
Identifiers: ClinVar variation 1008721 (VCV001008721.8), dbSNP rs1374678225, ClinGen allele CA353848568.